The following is an entry in ClinVar:

NM_003072.5(SMARCA4):c.661C>T (p.Pro221Ser)

Gene: SMARCA4 (SWI/SNF related BAF chromatin remodeling complex subunit ATPase 4; plus strand). Cytogenetic location: 19p13.2.
Variant type: single nucleotide variant.
Coding change: c.661C>T on transcript NM_003072.5 (MANE Select); coding-DNA position 661, C replaced by T.
Protein change: p.Pro221Ser; replaces proline 221 with serine.
Molecular consequence: missense variant. On other transcripts: non-coding transcript variant (1).
Genome position (GRCh38, 1-based): chr19:10,986,494, C>T. VCF-style: chr19-10986494-C-T. GRCh37 (hg19) VCF-style: chr19-11097170-C-T.
Other names: c.661C>T, p.Pro221Ser (NM_001128844.3, NM_001128845.2, NM_001128846.2 and 5 more transcripts); short protein forms P221S.
Identifiers: ClinVar variation 566575 (VCV000566575.9), dbSNP rs1417452362, ClinGen allele CA404056855.

ClinVar aggregate classification (germline): Uncertain significance. Review status: criteria provided, multiple submitters, no conflicts (2 of 4 stars). 2 submissions from 2 submitters: Uncertain significance (2). Last evaluated 2024-06-01.

Conditions:
Hereditary cancer-predisposing syndrome. Also called: Neoplastic Syndromes, Hereditary; Tumor predisposition; Hereditary neoplastic syndrome; Hereditary Cancer Syndrome. Identifiers: Orphanet 140162, MedGen C0027672, MeSH D009386, MONDO:0015356.
Rhabdoid tumor predisposition syndrome 2 (RTPS2). Identifiers: Orphanet 231108, Orphanet 69077, MedGen C2750074, MONDO:0013224, OMIM 613325.

gnomAD v4.1: 4 of 1,548,922 alleles (0.00026%); highest among the groups gnomAD compares: East Asian, 0.0024%; no homozygotes.

Submissions (2):

Ambry Genetics
Classification: Uncertain significance for Hereditary cancer-predisposing syndrome. Last evaluated: 2024-06-01. Review status: criteria provided, single submitter. Criteria: Ambry Variant Classification Scheme 2023. Collection method: clinical testing. Allele origin: germline.
Comment: The p.P221S variant (also known as c.661C>T), located in coding exon 3 of the SMARCA4 gene, results from a C to T substitution at nucleotide position 661. The proline at codon 221 is replaced by serine, an amino acid with similar properties. This amino acid position is conserved. In addition, this alteration is predicted to be tolerated by in silico analysis. Based on the available evidence, the clinical significance of this variant remains unclear.

Labcorp Genetics (formerly Invitae), Labcorp
Classification: Uncertain significance for Rhabdoid tumor predisposition syndrome 2. Last evaluated: 2023-08-17. Review status: criteria provided, single submitter. Criteria: Invitae Variant Classification Sherloc (09022015). Collection method: clinical testing. Allele origin: germline.
Comment: This variant is not present in population databases (gnomAD no frequency). In summary, the available evidence is currently insufficient to determine the role of this variant in disease. Therefore, it has been classified as a Variant of Uncertain Significance. Advanced modeling of protein sequence and biophysical properties (such as structural, functional, and spatial information, amino acid conservation, physicochemical variation, residue mobility, and thermodynamic stability) performed at Invitae indicates that this missense variant is not expected to disrupt SMARCA4 protein function. ClinVar contains an entry for this variant (Variation ID: 566575). This variant has not been reported in the literature in individuals affected with SMARCA4-related conditions. This sequence change replaces proline, which is neutral and non-polar, with serine, which is neutral and polar, at codon 221 of the SMARCA4 protein (p.Pro221Ser).